The following is an entry in ClinVar:

NM_000334.4(SCN4A):c.393-4C>A

Gene: SCN4A (sodium voltage-gated channel alpha subunit 4; minus strand). Cytogenetic location: 17q23.3.
Variant type: single nucleotide variant.
Coding change: c.393-4C>A on transcript NM_000334.4 (MANE Select); 4 bases into the intron before coding-DNA position 393, C replaced by A.
Molecular consequence: intron variant.
Genome position (GRCh38, 1-based): chr17:63,972,229, G>T on the plus strand (C>A on the coding strand, the complement: SCN4A is on the minus strand). VCF-style: chr17-63972229-G-T. GRCh37 (hg19) VCF-style: chr17-62049589-G-T.
Identifiers: ClinVar variation 1082157 (VCV001082157.10), dbSNP rs958817327, ClinGen allele CA292972791.

ClinVar aggregate classification (germline): Likely benign. Review status: criteria provided, single submitter (1 of 4 stars). 2 submissions from 2 submitters: Likely benign (1). 1 of the submissions does not count toward it. Last evaluated 2020-06-23.

Conditions:
SCN4A-related disorder. Also called: SCN4A-related disorders.
Hyperkalemic periodic paralysis. Also called: Gamstorp disease; Familial hyperkalemic periodic paralysis. Identifiers: Orphanet 682, MedGen C0238357, MONDO:0008224, OMIM 170500, HP:0007215.

Allele frequency attached by ClinVar (database versions not stated): gnomAD exomes below 0.00001; gnomAD 0.00001; TOPMed 0.00001.
gnomAD v4.1: 3 of 1,612,674 alleles (0.00019%); highest among the groups gnomAD compares: Non-Finnish European, 0.00017%; no homozygotes.

Submissions (2):

Labcorp Genetics (formerly Invitae), Labcorp
Classification: Likely benign for Hyperkalemic periodic paralysis. Last evaluated: 2020-06-23. Review status: criteria provided, single submitter. Criteria: Invitae Variant Classification Sherloc (09022015). Collection method: clinical testing. Allele origin: germline.

PreventionGenetics, part of Exact Sciences
Classification: Likely benign for SCN4A-related condition. Last evaluated: 2024-03-07. Review status: no assertion criteria provided. Collection method: clinical testing. Allele origin: germline. Not counted in ClinVar's aggregate classification.
Comment: This variant is classified as likely benign based on ACMG/AMP sequence variant interpretation guidelines (Richards et al. 2015 PMID: 25741868, with internal and published modifications).